The following is an entry in ClinVar:

NM_004667.6(HERC2):c.7637C>T (p.Thr2546Met)

Gene: HERC2 (HECT and RLD domain containing E3 ubiquitin protein ligase 2; minus strand). Cytogenetic location: 15q13.1.
Variant type: single nucleotide variant.
Coding change: c.7637C>T on transcript NM_004667.6 (MANE Select); coding-DNA position 7637, C replaced by T.
Protein change: p.Thr2546Met; replaces threonine 2546 with methionine.
Molecular consequence: missense variant.
Genome position (GRCh38, 1-based): chr15:28,201,535, G>A on the plus strand (C>T on the coding strand, the complement: HERC2 is on the minus strand). VCF-style: chr15-28201535-G-A. GRCh37 (hg19) VCF-style: chr15-28446681-G-A.
Other names: c.7637C>T (NM_004667.4); short protein forms T2546M.
Identifiers: ClinVar variation 1810181 (VCV001810181.11), dbSNP rs138887223, ClinGen allele CA7441715.

ClinVar aggregate classification (germline): Uncertain significance. Review status: criteria provided, multiple submitters, no conflicts (2 of 4 stars). 3 submissions from 3 submitters: Uncertain significance (3). Last evaluated 2025-04-01.

Conditions:
Inborn genetic diseases. Identifiers: MedGen C0950123, MeSH D030342.

Allele frequency attached by ClinVar (database versions not stated): ExAC 0.00012; TOPMed 0.00013; gnomAD 0.00015; gnomAD exomes 0.00019; ESP Exome Variant Server 0.00031.
gnomAD v4.1: 287 of 1,611,888 alleles (0.018%); highest among the groups gnomAD compares: Non-Finnish European, 0.023%; 1 homozygote.

Submissions (3):

CeGaT Center for Human Genetics Tuebingen
Classification: Uncertain significance. Last evaluated: 2025-04-01. Review status: criteria provided, single submitter. Criteria: CeGaT Center For Human Genetics Tuebingen Variant Classification Criteria Version 2. Collection method: clinical testing. Allele origin: germline. Affected: yes. Observed: 1 variant allele.
Comment: HERC2: PM2

GeneDx
Classification: Uncertain significance. Last evaluated: 2022-12-27. Review status: criteria provided, single submitter. Criteria: GeneDx Variant Classification Process June 2021. Collection method: clinical testing. Allele origin: germline. Affected: yes.
Comment: In silico analysis supports that this missense variant does not alter protein structure/function; Has not been previously published as pathogenic or benign to our knowledge

Ambry Genetics
Classification: Uncertain significance for Inborn genetic diseases. Last evaluated: 2021-09-15. Review status: criteria provided, single submitter. Criteria: Ambry Variant Classification Scheme 2023. Collection method: clinical testing. Allele origin: germline.